The following is an entry in ClinVar:

NM_001037333.3(CYFIP2):c.2509C>T (p.Arg837Cys)

Gene: CYFIP2 (cytoplasmic FMR1 interacting protein 2; plus strand). Cytogenetic location: 5q33.3.
Variant type: single nucleotide variant.
Coding change: c.2509C>T on transcript NM_001037333.3 (MANE Select); coding-DNA position 2509, C replaced by T.
Protein change: p.Arg837Cys; replaces arginine 837 with cysteine.
Molecular consequence: missense variant.
Genome position (GRCh38, 1-based): chr5:157,339,180, C>T. VCF-style: chr5-157339180-C-T. GRCh37 (hg19) VCF-style: chr5-156766188-C-T.
Other names: c.2431C>T, p.Arg811Cys (NM_001291721.2); c.2584C>T, p.Arg862Cys (NM_001291722.2); c.2509C>T, p.Arg837Cys (NM_014376.4); short protein forms R811C, R837C, R862C.
Identifiers: ClinVar variation 1716853 (VCV001716853.5), dbSNP rs751254864, ClinGen allele CA3533876.
Genomic context (GRCh38, chr5:157,339,180, plus strand): 5'-CTGGACAGCTTCGATGCCATGTTCCGAGAGGCCAATCACAATGTGTCCGCCCCCTATGGC[C>T]GTATCACCCTGCATGTCTTCTGGGAACTGAACTTTGACTTTCTCCCCAACTACTGCTACA-3'
Protein context (NP_001032410.1, residues 827-847): ANHNVSAPYG[Arg837Cys]ITLHVFWELN

ClinVar aggregate classification (germline): Uncertain significance (1 of 4 stars; one submission).

Allele frequency attached by ClinVar (database versions not stated): ExAC 0.00001; gnomAD exomes 0.00001.
gnomAD v4.1: 8 of 1,614,000 alleles (0.0005%); highest among the groups gnomAD compares: South Asian, 0.0022%; no homozygotes.

Submission:

Labcorp Genetics (formerly Invitae), Labcorp
Classification: Uncertain significance. Last evaluated: 2022-08-19. Review status: criteria provided, single submitter. Criteria: Invitae Variant Classification Sherloc (09022015). Collection method: clinical testing. Allele origin: germline.
Comment: This sequence change replaces arginine, which is basic and polar, with cysteine, which is neutral and slightly polar, at codon 837 of the CYFIP2 protein (p.Arg837Cys). This variant is present in population databases (rs751254864, gnomAD 0.003%). This variant has not been reported in the literature in individuals affected with CYFIP2-related conditions. Algorithms developed to predict the effect of missense changes on protein structure and function are either unavailable or do not agree on the potential impact of this missense change (SIFT: "Deleterious"; PolyPhen-2: "Not Available"; Align-GVGD: "Class C65"). In summary, the available evidence is currently insufficient to determine the role of this variant in disease. Therefore, it has been classified as a Variant of Uncertain Significance.